The following is an entry in ClinVar:

ClinVar aggregate classification (germline): Likely benign (0 of 4 stars; one submission).

Conditions:
QDPR-related disorder. Also called: QDPR-related condition.

Allele frequency attached by ClinVar (database versions not stated): gnomAD exomes 0.00004.

Submission:

PreventionGenetics, part of Exact Sciences
Classification: Likely benign for QDPR-related condition. Last evaluated: 2019-07-12. Review status: no assertion criteria provided. Collection method: clinical testing. Allele origin: germline.
Comment: This variant is classified as likely benign based on ACMG/AMP sequence variant interpretation guidelines (Richards et al. 2015 PMID: 25741868, with internal and published modifications).

NM_000320.3(QDPR):c.*6A>G

Gene: QDPR (quinoid dihydropteridine reductase; minus strand). Cytogenetic location: 4p15.32.
Variant type: single nucleotide variant.
Coding change: c.*6A>G on transcript NM_000320.3 (MANE Select); 6 bases downstream of the stop codon, A replaced by G.
Molecular consequence: 3 prime UTR variant. On other transcripts: non-coding transcript variant (1).
Genome position (GRCh38, 1-based): chr4:17,487,125, T>C on the plus strand (A>G on the coding strand, the complement: QDPR is on the minus strand). VCF-style: chr4-17487125-T-C. GRCh37 (hg19) VCF-style: chr4-17488748-T-C.
Other names: c.*6A>G (NM_001306140.2).
Identifiers: ClinVar variation 3043347 (VCV003043347.2), dbSNP rs868457361, ClinGen allele CA92590031.